The following is an entry in ClinVar:

ClinVar aggregate classification (germline): Pathogenic. Review status: reviewed by expert panel (3 of 4 stars). 3 submissions from 3 submitters: Pathogenic (1). 2 of the submissions do not count toward it. Last evaluated 2017-12-15.

Conditions:
Hereditary breast ovarian cancer syndrome. Also called: Hereditary breast and ovarian cancer syndrome; Hereditary breast and ovarian cancer; Hereditary breast and ovarian cancer syndrome (HBOC); Breast and ovarian cancer; Hereditary breast and/or ovarian cancer syndrome; BRCA1- and BRCA2-Associated Hereditary Breast and Ovarian Cancer. Identifiers: Orphanet 145, MedGen C0677776, MeSH D061325, MONDO:0003582. Disease mechanism: loss of function.
Breast-ovarian cancer, familial, susceptibility to, 2 (BROVCA2). Also called: BRCA2 Hereditary Breast and Ovarian Cancer. Identifiers: Orphanet 145, MedGen C2675520, MONDO:0012933, OMIM 612555. Disease mechanism: loss of function.
Familial cancer of breast. Also called: BREAST CANCER, FAMILIAL; Hereditary breast cancer; hereditary breast carcinoma. Identifiers: Orphanet 227535, MedGen C0346153, MONDO:0016419, OMIM 114480. Disease mechanism: loss of function.

Submissions (3):

Evidence-based Network for the Interpretation of Germline Mutant Alleles (ENIGMA)
Classification: Pathogenic for Breast-ovarian cancer, familial, susceptibility to, 2. Last evaluated: 2017-12-15. Review status: reviewed by expert panel. Criteria: ENIGMA BRCA1/2 Classification Criteria (2017-06-29). Collection method: curation. Allele origin: germline. Study: ENIGMA.
Comment: Variant allele predicted to encode a truncated non-functional protein.

Labcorp Genetics (formerly Invitae), Labcorp
Classification: Pathogenic for Hereditary breast ovarian cancer syndrome. Last evaluated: 2024-02-23. Review status: criteria provided, single submitter. Criteria: Invitae Variant Classification Sherloc (09022015). Collection method: clinical testing. Allele origin: germline. Not counted in ClinVar's aggregate classification.
Comment: This sequence change creates a premature translational stop signal (p.Glu83Argfs*18) in the BRCA2 gene. It is expected to result in an absent or disrupted protein product. Loss-of-function variants in BRCA2 are known to be pathogenic (PMID: 20104584). This variant is not present in population databases (gnomAD no frequency). This premature translational stop signal has been observed in individual(s) with breast cancer (PMID: 31065452). ClinVar contains an entry for this variant (Variation ID: 51293). Algorithms developed to predict the effect of sequence changes on RNA splicing suggest that this variant may disrupt the consensus splice site. For these reasons, this variant has been classified as Pathogenic.

ClinVar Staff, National Center for Biotechnology Information (NCBI)
No classification provided. Condition: Familial cancer of breast. Review status: no classification provided. Collection method: literature only. Allele origin: germline. Affected: yes. Not counted in ClinVar's aggregate classification.

Literature cited by the submitters: PubMed 20104584 (cited by Labcorp Genetics (formerly Invitae), Labcorp); PubMed 31065452 (cited by Labcorp Genetics (formerly Invitae), Labcorp); PubMed 16760289 (cited by ClinVar Staff, National Center for Biotechnology Information (NCBI)).

NM_000059.4(BRCA2):c.246dup (p.Glu83fs)

Gene: BRCA2 (BRCA2 DNA repair associated; plus strand). Cytogenetic location: 13q13.1.
Variant type: Duplication.
Coding change: c.246dup on transcript NM_000059.4 (MANE Select); coding-DNA position 246, one base duplicated (A; older notation c.246dupA).
Protein change: p.Glu83fs; shifts the reading frame from glutamic acid 83.
Molecular consequence: frameshift variant.
Genome position (GRCh38, 1-based): chr13:32,319,255, A duplicated; the last of 3 consecutive A bases (chr13:32,319,253-32,319,255); duplicating any one gives the same sequence. VCF-style (leftmost placement, unchanged base first): chr13-32319252-C-CA. GRCh37 (hg19) VCF-style: chr13-32893389-C-CA.
Other names: c.246dupA (NM_000059.3); short protein forms E83fs.
Identifiers: ClinVar variation 51293 (VCV000051293.5), dbSNP rs397507630, ClinGen allele CA015364.